The following is an entry in ClinVar:

NM_187841.3(TRIM54):c.753T>C (p.Arg251=)

Gene: TRIM54 (tripartite motif containing 54; plus strand). Cytogenetic location: 2p23.3.
Variant type: single nucleotide variant.
Coding change: c.753T>C on transcript NM_187841.3 (MANE Select); coding-DNA position 753, T replaced by C.
Protein change: p.Arg251=; no amino-acid change (arginine 251 retained).
Molecular consequence: synonymous variant.
Genome position (GRCh38, 1-based): chr2:27,305,727, T>C. VCF-style: chr2-27305727-T-C. GRCh37 (hg19) VCF-style: chr2-27528595-T-C.
Other names: c.879T>C, p.Arg293= (NM_032546.4).
Identifiers: ClinVar variation 3051140 (VCV003051140.2), dbSNP rs146348166, ClinGen allele CA1575219.

ClinVar aggregate classification (germline): Likely benign (0 of 4 stars; one submission).

Conditions:
TRIM54-related disorder. Also called: TRIM54-related condition.

Allele frequency attached by ClinVar (database versions not stated): gnomAD exomes 0.00007; ExAC 0.00038; 1000 Genomes Project 0.00060; 1000 Genomes Project 30x 0.00078; gnomAD 0.00092; TOPMed 0.00097; ESP Exome Variant Server 0.00115.
gnomAD v4.1: 237 of 1,611,200 alleles (0.015%); highest among the groups gnomAD compares: African/African-American, 0.3%; 1 homozygote.

Submission:

PreventionGenetics, part of Exact Sciences
Classification: Likely benign for TRIM54-related condition. Last evaluated: 2019-02-20. Review status: no assertion criteria provided. Collection method: clinical testing. Allele origin: germline.
Comment: This variant is classified as likely benign based on ACMG/AMP sequence variant interpretation guidelines (Richards et al. 2015 PMID: 25741868, with internal and published modifications).